The following is an entry in ClinVar:

ClinVar aggregate classification (germline): Likely pathogenic (1 of 4 stars; one submission).

Conditions:
Autosomal recessive polycystic kidney disease (ARPKD). Also called: AR polycystic kidney disease. Identifiers: Orphanet 731, Orphanet 8378, MedGen C0085548, MeSH D017044, MONDO:0009889.

Submission:

Natera, Inc.
Classification: Likely pathogenic for Autosomal recessive polycystic kidney disease. Last evaluated: 2025-07-17. Review status: criteria provided, single submitter. Criteria: Natera Variant Classification Schema (03/2026). Collection method: clinical testing. Allele origin: germline.
Comment: The c.1849_1852del variant in PKHD1 is a frameshift variant predicted to shift the reading frame beginning at codon 617 and leads to a stop codon 4 codons downstream. This variant is expected to result in nonsense mediated decay, truncation, or a dysfunctional protein product. This variant is rare in the general population with a frequency below the threshold expected for the associated phenotype(s). Given the available evidence, this variant is classified as Likely Pathogenic.

NM_138694.4(PKHD1):c.1849_1852del (p.Tyr617fs)

Gene: PKHD1 (PKHD1 ciliary IPT domain containing fibrocystin/polyductin; minus strand). Cytogenetic location: 6p12.2.
Variant type: Deletion.
Coding change: c.1849_1852del on transcript NM_138694.4 (MANE Select); coding-DNA positions 1849 to 1852, 4 bases deleted (TACA; older notation c.1849_1852delTACA).
Protein change: p.Tyr617fs; shifts the reading frame from tyrosine 617.
Molecular consequence: frameshift variant.
Genome position (GRCh38, 1-based): chr6:52,054,150-52,054,153, TGTA deleted on the plus strand (TACA on the coding strand, the reverse complement: PKHD1 is on the minus strand); deleting any 4 consecutive bases within chr6:52,054,150-52,054,155 gives the same sequence; the c. name uses the placement nearest the transcript's 3' end. VCF-style (leftmost placement, unchanged base first): chr6-52054149-TTGTA-T. GRCh37 (hg19) VCF-style: chr6-51918947-TTGTA-T.
Other names: c.1849_1852del, p.Tyr617fs (NM_170724.3); short protein forms Y617fs.
Identifiers: ClinVar variation 4816592 (VCV004816592.1).